The following is an entry in ClinVar:

ClinVar aggregate classification (germline): Likely benign. Review status: criteria provided, multiple submitters, no conflicts (2 of 4 stars). 2 submissions from 2 submitters: Likely benign (2). Last evaluated 2018-06-12.

Allele frequency attached by ClinVar (database versions not stated): TOPMed 0.01061; gnomAD exomes 0.00107; 1000 Genomes Project 0.00899; 1000 Genomes Project 30x 0.00984; gnomAD 0.01050.
gnomAD v4.1: 2,446 of 1,036,496 alleles (0.24%); highest among the groups gnomAD compares: African/African-American, 3.2%; 39 homozygotes.

Submissions (2):

GeneDx
Classification: Likely benign. Last evaluated: 2018-06-12. Review status: criteria provided, single submitter. Criteria: GeneDx Variant Classification (06012015). Collection method: clinical testing. Allele origin: germline. Affected: yes.
Comment: This variant is considered likely benign or benign based on one or more of the following criteria: it is a conservative change, it occurs at a poorly conserved position in the protein, it is predicted to be benign by multiple in silico algorithms, and/or has population frequency not consistent with disease.

Breakthrough Genomics
Classification: Likely benign. Review status: criteria provided, single submitter. Criteria: ACMG Guidelines, 2015. Collection method: not provided. Allele origin: germline. Inheritance: Autosomal dominant inheritance. Affected: yes.

NM_000077.5(CDKN2A):c.150+365T>G

Gene: CDKN2A (cyclin dependent kinase inhibitor 2A; minus strand). Cytogenetic location: 9p21.3.
Variant type: single nucleotide variant.
Coding change: c.150+365T>G on transcript NM_000077.5 (MANE Select); 365 bases into the intron after coding-DNA position 150, T replaced by G.
Molecular consequence: intron variant.
Genome position (GRCh38, 1-based): chr9:21,974,313, A>C on the plus strand (T>G on the coding strand, the complement: CDKN2A is on the minus strand). VCF-style: chr9-21974313-A-C. GRCh37 (hg19) VCF-style: chr9-21974312-A-C.
Other names: c.-3-3105T>G (NM_001363763.2); c.194-3105T>G (NM_058195.4); c.150+365T>G (NM_001195132.2); c.*73+91T>G (NM_058197.5).
Identifiers: ClinVar variation 682449 (VCV000682449.2), dbSNP rs115521447, ClinGen allele CA190732346.